The following is an entry in ClinVar:

ClinVar aggregate classification (germline): Pathogenic/Likely pathogenic. Review status: criteria provided, multiple submitters, no conflicts (2 of 4 stars). 3 submissions from 3 submitters: Pathogenic (1); Likely pathogenic (2). Last evaluated 2026-01-28.

Conditions:
ALG6-related disorder. Also called: ALG6-related condition.
ALG6-congenital disorder of glycosylation 1C (CDG1C). Also called: CARBOHYDRATE-DEFICIENT GLYCOPROTEIN SYNDROME, TYPE I, WITH DEFICIENT GLYCOSYLATION OF DOLICHOL-LINKED OLIGOSACCHARIDE; CARBOHYDRATE-DEFICIENT GLYCOPROTEIN SYNDROME, TYPE V; Congenital disorder of glycosylation type 1C; Congenital disorder of glycosylation, type Ic; CDG Ic. Identifiers: Orphanet 79320, MedGen C2930997, MONDO:0011291, OMIM 603147.

Submissions (3):

Labcorp Genetics (formerly Invitae), Labcorp
Classification: Pathogenic for ALG6-congenital disorder of glycosylation 1C. Last evaluated: 2026-01-28. Review status: criteria provided, single submitter. Criteria: Invitae Variant Classification Sherloc (09022015). Collection method: clinical testing. Allele origin: germline.
Comment: This sequence change creates a premature translational stop signal (p.Leu416Valfs*73) in the ALG6 gene. While this is not anticipated to result in nonsense mediated decay, it is expected to disrupt the last 92 amino acid(s) of the ALG6 protein. This variant is not present in population databases (gnomAD no frequency). This variant has not been reported in the literature in individuals affected with ALG6-related conditions. ClinVar contains an entry for this variant (Variation ID: 2633911). This variant disrupts a region of the ALG6 protein in which other variant(s) (p.Ser478Pro) have been determined to be pathogenic (PMID: 10914684). This suggests that this is a clinically significant region of the protein, and that variants that disrupt it are likely to be disease-causing. For these reasons, this variant has been classified as Pathogenic.

PreventionGenetics, part of Exact Sciences
Classification: Likely pathogenic for ALG6-related condition. Last evaluated: 2023-10-11. Review status: criteria provided, single submitter. Criteria: ACMG Guidelines, 2015. Collection method: clinical testing. Allele origin: germline.
Comment: The ALG6 c.1246_1250del5 variant is predicted to result in a frameshift and premature protein termination (p.Leu416Valfs*73). To our knowledge, this variant has not been reported in the literature or in a large population database, indicating this variant is rare. Frameshift variants in ALG6 are expected to be pathogenic. This variant is interpreted as likely pathogenic.

Baylor Genetics
Classification: Likely pathogenic for ALG6-congenital disorder of glycosylation 1C. Last evaluated: 2023-10-09. Review status: criteria provided, single submitter. Criteria: ACMG Guidelines, 2015. Collection method: clinical testing. Allele origin: unknown.

Literature cited by the submitters: PubMed 10914684 (cited by Labcorp Genetics (formerly Invitae), Labcorp).

NM_013339.4(ALG6):c.1246_1250del (p.Leu416fs)

Gene: ALG6 (ALG6 alpha-1,3-glucosyltransferase; plus strand). Cytogenetic location: 1p31.3.
Variant type: Deletion.
Coding change: c.1246_1250del on transcript NM_013339.4 (MANE Select); coding-DNA positions 1246 to 1250, 5 bases deleted (CTGCA; older notation c.1246_1250delCTGCA).
Protein change: p.Leu416fs; shifts the reading frame from leucine 416.
Molecular consequence: frameshift variant.
Genome position (GRCh38, 1-based): chr1:63,429,046-63,429,050, CTGCA deleted; deleting any 5 consecutive bases within chr1:63,429,045-63,429,050 gives the same sequence; the c. name uses the placement nearest the transcript's 3' end. VCF-style (leftmost placement, unchanged base first): chr1-63429044-AACTGC-A. GRCh37 (hg19) VCF-style: chr1-63894715-AACTGC-A.
Other names: short protein forms L416fs.
Identifiers: ClinVar variation 2633911 (VCV002633911.5), dbSNP rs1644631895, ClinGen allele CA1171490289.